The following is an entry in ClinVar:

NM_001034853.2(RPGR):c.2400_2401del (p.Glu800fs)

Gene: RPGR (retinitis pigmentosa GTPase regulator; minus strand). Cytogenetic location: Xp11.4.
Variant type: Deletion.
Coding change: c.2400_2401del on transcript NM_001034853.2 (MANE Select); coding-DNA positions 2400 to 2401, 2 bases deleted (AA; older notation c.2400_2401delAA).
Protein change: p.Glu800fs; shifts the reading frame from glutamic acid 800.
Molecular consequence: frameshift variant. On other transcripts: intron variant (8).
Genome position (GRCh38, 1-based): chrX:38,286,598-38,286,599, TT deleted on the plus strand (AA on the coding strand, the reverse complement: RPGR is on the minus strand); deleting any 2 consecutive bases within chrX:38,286,598-38,286,600 gives the same sequence; the c. name uses the placement nearest the transcript's 3' end. VCF-style (leftmost placement, unchanged base first): chrX-38286597-GTT-G. GRCh37 (hg19) VCF-style: chrX-38145850-GTT-G.
Other names: c.1569+4360_1569+4361del (NM_001367249.1, NM_001367250.1); c.1902+495_1902+496del (NM_001367245.1); c.1386+4360_1386+4361del (NM_001367251.1); c.1719+495_1719+496del (NM_001367246.1); c.1572+4360_1572+4361del (NM_001367247.1); c.1905+495_1905+496del (NM_000328.3); c.1602+4360_1602+4361del (NM_001367248.1); short protein forms E800fs.
Identifiers: ClinVar variation 4856800 (VCV004856800.1).

ClinVar aggregate classification (germline): Likely pathogenic (0 of 4 stars; one submission).

Conditions:
Retinitis pigmentosa 3. Also called: CHOROIDORETINAL DEGENERATION WITH RETINAL REFLEX IN HETEROZYGOUS WOMEN. Identifiers: Orphanet 791, MedGen C1845667, MONDO:0010227, OMIM 300029.

Submission:

Department of Medical Genetics, Unidade Local de Saúde de Coimbra
Classification: Likely pathogenic for Retinitis pigmentosa 3. Review status: no assertion criteria provided. Collection method: clinical testing. Allele origin: maternal. Inheritance: X-linked inheritance. Affected: yes. Observed: 2 variant alleles, 2 hemizygotes. Clinical features observed: Retinal dystrophy (HP:0000556).
Comment: The variant c.2400_2401delAA (p.Glu800AspfsTer34) in RPGR consists of a 2-bp deletion that alters the reading frame starting at codon 800, replacing the glutamic acid at this position with an aspartic acid and introducing a premature termination codon 34 amino acids downstream in the new reading frame. This is predicted to result in a truncated RPGR protein with an altered C-terminal sequence compared with the canonical protein. This variant was identified in a Portuguese family with X-linked retinitis pigmentosa and co-segregates with the disease (proband and maternal uncle affected). The variant has not been previously reported and is absent from large population databases.

Literature cited by the submitters: PubMed 42521440.